The following is an entry in ClinVar:

NM_001040108.2(MLH3):c.1269G>A (p.Gln423=)

Gene: MLH3 (mutL homolog 3; minus strand). Cytogenetic location: 14q24.3.
Variant type: single nucleotide variant.
Coding change: c.1269G>A on transcript NM_001040108.2 (MANE Select); coding-DNA position 1269, G replaced by A.
Protein change: p.Gln423=; no amino-acid change (glutamine 423 retained).
Molecular consequence: synonymous variant.
Genome position (GRCh38, 1-based): chr14:75,048,387, C>T on the plus strand (G>A on the coding strand, the complement: MLH3 is on the minus strand). VCF-style: chr14-75048387-C-T. GRCh37 (hg19) VCF-style: chr14-75515090-C-T.
Other names: c.1269G>A, p.Gln423= (NM_014381.3).
Identifiers: ClinVar variation 4875955 (VCV004875955.1).

ClinVar aggregate classification (germline): Benign (1 of 4 stars; one submission).

Conditions:
Colorectal cancer, hereditary nonpolyposis, type 7. Identifiers: Orphanet 144, MedGen C1858380, MONDO:0013725, OMIM 614385.

Submission:

Myriad Genetics, Inc.
Classification: Benign for Colorectal cancer, hereditary nonpolyposis, type 7. Last evaluated: 2026-04-29. Review status: criteria provided, single submitter. Criteria: Myriad Autosomal Dominant, Autosomal Recessive and X-Linked Classification Criteria (2023). Collection method: clinical testing. Allele origin: unknown.
Comment: This variant is considered benign. This variant is a silent/synonymous amino acid change and it is not expected to impact splicing.